The following is an entry in ClinVar:

NM_001371986.1(UNC80):c.4581+5G>T

Gene: UNC80 (unc-80 subunit of NALCN channel complex; plus strand). Cytogenetic location: 2q34.
Variant type: single nucleotide variant.
Coding change: c.4581+5G>T on transcript NM_001371986.1 (MANE Select); 5 bases into the intron after coding-DNA position 4581, G replaced by T.
Molecular consequence: intron variant.
Genome position (GRCh38, 1-based): chr2:209,896,418, G>T. VCF-style: chr2-209896418-G-T. GRCh37 (hg19) VCF-style: chr2-210761142-G-T.
Other names: c.4383+5G>T (NM_032504.2); c.4368+5G>T (NM_182587.4).
Identifiers: ClinVar variation 871307 (VCV000871307.41), dbSNP rs2086801801, ClinGen allele CA1139657662.

ClinVar aggregate classification (germline): Uncertain significance (1 of 4 stars; one submission).

Submission:

CeGaT Center for Human Genetics Tuebingen
Classification: Uncertain significance. Last evaluated: 2022-08-01. Review status: criteria provided, single submitter. Criteria: CeGaT Center For Human Genetics Tuebingen Variant Classification Criteria Version 2. Collection method: clinical testing. Allele origin: germline. Affected: yes. Observed: 5 variant alleles.
Comment: UNC80: PM2, PM3, PP3